The following is an entry in ClinVar:

NM_199420.4(POLQ):c.2873A>G (p.Asp958Gly)

Gene: POLQ (DNA polymerase theta; minus strand). Cytogenetic location: 3q13.33.
Variant type: single nucleotide variant.
Coding change: c.2873A>G on transcript NM_199420.4 (MANE Select); coding-DNA position 2873, A replaced by G.
Protein change: p.Asp958Gly; replaces aspartic acid 958 with glycine.
Molecular consequence: missense variant.
Genome position (GRCh38, 1-based): chr3:121,490,058, T>C on the plus strand (A>G on the coding strand, the complement: POLQ is on the minus strand). VCF-style: chr3-121490058-T-C. GRCh37 (hg19) VCF-style: chr3-121208905-T-C.
Other names: short protein forms D958G.
Identifiers: ClinVar variation 1797070 (VCV001797070.2), dbSNP rs2108799023, ClinGen allele CA354104174.

ClinVar aggregate classification (germline): Uncertain significance (1 of 4 stars; one submission).

Submission:

Ambry Genetics
Classification: Uncertain significance. Last evaluated: 2022-10-29. Review status: criteria provided, single submitter. Criteria: Ambry Variant Classification Scheme 2023. Collection method: clinical testing. Allele origin: germline.
Comment: The p.D958G variant (also known as c.2873A>G), located in coding exon 16 of the POLQ gene, results from an A to G substitution at nucleotide position 2873. The aspartic acid at codon 958 is replaced by glycine, an amino acid with similar properties. This amino acid position is conserved. In addition, this alteration is predicted to be tolerated by in silico analysis. Since supporting evidence is limited at this time, the clinical significance of this alteration remains unclear.